The following is an entry in ClinVar:

NM_000465.4(BARD1):c.1703G>C (p.Gly568Ala)

Gene: BARD1 (BRCA1 associated RING domain 1; minus strand). Cytogenetic location: 2q35.
Variant type: single nucleotide variant.
Coding change: c.1703G>C on transcript NM_000465.4 (MANE Select); coding-DNA position 1703, G replaced by C.
Protein change: p.Gly568Ala; replaces glycine 568 with alanine.
Molecular consequence: missense variant. On other transcripts: non-coding transcript variant (3), intron variant (1).
Genome position (GRCh38, 1-based): chr2:214,745,829, C>G on the plus strand (G>C on the coding strand, the complement: BARD1 is on the minus strand). VCF-style: chr2-214745829-C-G. GRCh37 (hg19) VCF-style: chr2-215610553-C-G.
Other names: c.1646G>C, p.Gly549Ala (NM_001282543.2); c.350G>C, p.Gly117Ala (NM_001282545.2); c.293G>C, p.Gly98Ala (NM_001282548.2); c.365-15321G>C (NM_001282549.2); short protein forms G568A, G549A, G98A, G117A.
Identifiers: ClinVar variation 530092 (VCV000530092.18), dbSNP rs1007761710, ClinGen allele CA64802988.
Genomic context (GRCh38, chr2:214,745,829, plus strand): 5'-AGCTCACTGAGCATTTTCTGTTGTTCTGAAGACAGCCCACTGCCTATAAGTACAAGAGGT[C>G]CATCCCTACGCTGCCCAGTGTTCATCTGTTAATATAAAAGGAGATACCAGTGTTAAAAAC-3'
Protein context (NP_000456.2, residues 558-578): SVMNTGQRRD[Gly568Ala]PLVLIGSGLS

ClinVar aggregate classification (germline): Uncertain significance. Review status: criteria provided, multiple submitters, no conflicts (2 of 4 stars). 4 submissions from 4 submitters: Uncertain significance (4). Last evaluated 2025-09-10.

Conditions:
Familial cancer of breast. Also called: BREAST CANCER, FAMILIAL; Hereditary breast cancer; hereditary breast carcinoma. Identifiers: Orphanet 227535, MedGen C0346153, MONDO:0016419, OMIM 114480. Disease mechanism: loss of function.
Hereditary cancer-predisposing syndrome. Also called: Hereditary neoplastic syndrome; Neoplastic Syndromes, Hereditary; Hereditary Cancer Syndrome; Tumor predisposition. Identifiers: Orphanet 140162, MedGen C0027672, MeSH D009386, MONDO:0015356.
Hereditary breast ovarian cancer syndrome. Also called: Hereditary breast and ovarian cancer syndrome (HBOC); Hereditary breast and ovarian cancer syndrome; Breast and ovarian cancer; Hereditary breast and/or ovarian cancer syndrome; Hereditary breast and ovarian cancer; BRCA1- and BRCA2-Associated Hereditary Breast and Ovarian Cancer. Identifiers: Orphanet 145, MedGen C0677776, MeSH D061325, MONDO:0003582. Disease mechanism: loss of function.

gnomAD v4.1: 7 of 1,614,008 alleles (0.00043%); highest among the groups gnomAD compares: Non-Finnish European, 0.00059%; no homozygotes.

Submissions (4):

Labcorp Genetics (formerly Invitae), Labcorp
Classification: Uncertain significance for Familial cancer of breast. Last evaluated: 2025-09-10. Review status: criteria provided, single submitter. Criteria: Invitae Variant Classification Sherloc (09022015). Collection method: clinical testing. Allele origin: germline.
Comment: This sequence change replaces glycine, which is neutral and non-polar, with alanine, which is neutral and non-polar, at codon 568 of the BARD1 protein (p.Gly568Ala). This variant is not present in population databases (gnomAD no frequency). This variant has not been reported in the literature in individuals affected with BARD1-related conditions. ClinVar contains an entry for this variant (Variation ID: 530092). An algorithm developed to predict the effect of missense changes on protein structure and function (PolyPhen-2) suggests that this variant is likely to be tolerated. In summary, the available evidence is currently insufficient to determine the role of this variant in disease. Therefore, it has been classified as a Variant of Uncertain Significance.

Ambry Genetics
Classification: Uncertain significance for Hereditary cancer-predisposing syndrome. Last evaluated: 2024-06-08. Review status: criteria provided, single submitter. Criteria: Ambry Variant Classification Scheme 2023. Collection method: clinical testing. Allele origin: germline.
Comment: The p.G568A variant (also known as c.1703G>C), located in coding exon 8 of the BARD1 gene, results from a G to C substitution at nucleotide position 1703. The glycine at codon 568 is replaced by alanine, an amino acid with similar properties. This amino acid position is conserved. In addition, this alteration is predicted to be tolerated by in silico analysis. Since supporting evidence is limited at this time, the clinical significance of this alteration remains unclear.

Quest Diagnostics Nichols Institute San Juan Capistrano
Classification: Uncertain significance. Last evaluated: 2023-06-30. Review status: criteria provided, single submitter. Criteria: Quest Diagnostics criteria. Collection method: clinical testing. Allele origin: unknown.
Comment: This variant has not been reported in individuals with BARD1-related conditions in the published literature. In a breast cancer case-control study, the variant has only been reported in unaffected control (PMID: 33471991 (2021), see also LOVD). It also has not been reported in large, multi-ethnic general populations (Genome Aggregation Database). Analysis of this variant using bioinformatics tools for the prediction of the effect of amino acid changes on protein structure and function yielded predictions that this variant is benign. Based on the available information, we are unable to determine the clinical significance of this variant.

St. Jude Molecular Pathology, St. Jude Children's Research Hospital
Classification: Uncertain significance for Hereditary breast ovarian cancer syndrome. Last evaluated: 2021-09-22. Review status: criteria provided, single submitter. Criteria: St. Jude Assertion Criteria 2020. Collection method: clinical testing. Allele origin: germline.
Comment: The BARD1 c.1703G>C (p.Gly568Ala) missense change is absent in gnomAD v2.1.1 (PM2_supporting). It is also absent in a database of women older than 70 years of age who have never had cancer. Five of seven in silico tools predict a benign effect of this variant on protein function (BP4), but these predictions have not been confirmed by functional studies. To our knowledge, this variant has not been reported in individuals with hereditary breast and ovarian cancer. In summary, this variant meets criteria to be classified as of uncertain significance based on the ACMG/AMP criteria: PM2_supporting, BP4.

Literature cited by the submitters: PubMed 33471991 (cited by Quest Diagnostics Nichols Institute San Juan Capistrano).